The following is an entry in ClinVar:

NM_001042492.3(NF1):c.7914T>G (p.Ile2638Met)

Gene: NF1 (neurofibromin 1; plus strand). Cytogenetic location: 17q11.2.
Variant type: single nucleotide variant.
Coding change: c.7914T>G on transcript NM_001042492.3 (MANE Select); coding-DNA position 7914, T replaced by G.
Protein change: p.Ile2638Met; replaces isoleucine 2638 with methionine.
Molecular consequence: missense variant.
Genome position (GRCh38, 1-based): chr17:31,357,313, T>G. VCF-style: chr17-31357313-T-G. GRCh37 (hg19) VCF-style: chr17-29684331-T-G.
Other names: c.7851T>G, p.Ile2617Met (NM_000267.4); short protein forms I2617M, I2638M.
Identifiers: ClinVar variation 644976 (VCV000644976.8), dbSNP rs1597866892, ClinGen allele CA399203447.

ClinVar aggregate classification (germline): Uncertain significance. Review status: criteria provided, multiple submitters, no conflicts (2 of 4 stars). 2 submissions from 2 submitters: Uncertain significance (2). Last evaluated 2022-09-11.

Conditions:
Hereditary cancer-predisposing syndrome. Also called: Neoplastic Syndromes, Hereditary; Hereditary Cancer Syndrome; Hereditary neoplastic syndrome; Tumor predisposition. Identifiers: Orphanet 140162, MedGen C0027672, MeSH D009386, MONDO:0015356.
Cardiovascular phenotype. Identifiers: MedGen CN230736.
Neurofibromatosis, type 1 (NF1). Also called: NEUROFIBROMATOSIS, TYPE I, SOMATIC; VON RECKLINGHAUSEN DISEASE; Neurofibromatosis, type I; Peripheral type neurofibromatosis. Identifiers: Orphanet 636, MedGen C0027831, MONDO:0018975, OMIM 162200. Disease mechanism: loss of function.

Submissions (2):

Ambry Genetics
Classification: Uncertain significance for Cardiovascular phenotype; Hereditary cancer-predisposing syndrome. Last evaluated: 2022-09-11. Review status: criteria provided, single submitter. Criteria: Ambry Variant Classification Scheme 2023. Collection method: clinical testing. Allele origin: germline.
Comment: The p.I2617M variant (also known as c.7851T>G), located in coding exon 53 of the NF1 gene, results from a T to G substitution at nucleotide position 7851. The isoleucine at codon 2617 is replaced by methionine, an amino acid with highly similar properties. This amino acid position is conserved. In addition, the in silico prediction for this alteration is inconclusive. Since supporting evidence is limited at this time, the clinical significance of this alteration remains unclear.

Labcorp Genetics (formerly Invitae), Labcorp
Classification: Uncertain significance for Neurofibromatosis, type 1. Last evaluated: 2018-08-29. Review status: criteria provided, single submitter. Criteria: Invitae Variant Classification Sherloc (09022015). Collection method: clinical testing. Allele origin: germline.
Comment: In summary, the available evidence is currently insufficient to determine the role of this variant in disease. Therefore, it has been classified as a Variant of Uncertain Significance. Algorithms developed to predict the effect of missense changes on protein structure and function are either unavailable or do not agree on the potential impact of this missense change (SIFT: "Tolerated"; PolyPhen-2: "Probably Damaging"; Align-GVGD: "Class C0"). This variant has not been reported in the literature in individuals with NF1-related disease. This variant is not present in population databases (ExAC no frequency). This sequence change replaces isoleucine with methionine at codon 2617 of the NF1 protein (p.Ile2617Met). The isoleucine residue is moderately conserved and there is a small physicochemical difference between isoleucine and methionine.